The following is an entry in ClinVar:

ClinVar aggregate classification (germline): Uncertain significance (1 of 4 stars; one submission).

Conditions:
Cardiovascular phenotype. Identifiers: MedGen CN230736.
Hereditary cancer-predisposing syndrome. Also called: Hereditary Cancer Syndrome; Hereditary neoplastic syndrome; Neoplastic Syndromes, Hereditary; Tumor predisposition. Identifiers: Orphanet 140162, MedGen C0027672, MeSH D009386, MONDO:0015356.

Submission:

Ambry Genetics
Classification: Uncertain significance for Cardiovascular phenotype; Hereditary cancer-predisposing syndrome. Last evaluated: 2021-09-13. Review status: criteria provided, single submitter. Criteria: Ambry Variant Classification Scheme 2023. Collection method: clinical testing. Allele origin: germline.
Comment: The p.L327Q variant (also known as c.980T>A), located in coding exon 9 of the NF1 gene, results from a T to A substitution at nucleotide position 980. The leucine at codon 327 is replaced by glutamine, an amino acid with dissimilar properties. This amino acid position is highly conserved in available vertebrate species. In addition, this alteration is predicted to be deleterious by in silico analysis. Since supporting evidence is limited at this time, the clinical significance of this alteration remains unclear.

NM_001042492.3(NF1):c.980T>A (p.Leu327Gln)

Gene: NF1 (neurofibromin 1; plus strand). Cytogenetic location: 17q11.2.
Variant type: single nucleotide variant.
Coding change: c.980T>A on transcript NM_001042492.3 (MANE Select); coding-DNA position 980, T replaced by A.
Protein change: p.Leu327Gln; replaces leucine 327 with glutamine.
Molecular consequence: missense variant.
Genome position (GRCh38, 1-based): chr17:31,200,513, T>A. VCF-style: chr17-31200513-T-A. GRCh37 (hg19) VCF-style: chr17-29527531-T-A.
Other names: c.980T>A, p.Leu327Gln (NM_000267.4, NM_001128147.3); short protein forms L327Q.
Identifiers: ClinVar variation 1768285 (VCV001768285.2), dbSNP rs201624827, ClinGen allele CA398996071.